The following is an entry in ClinVar:

NM_001004334.4(GPR179):c.5237C>A (p.Thr1746Asn)

Gene: GPR179 (G protein-coupled receptor 179; minus strand). Cytogenetic location: 17q12.
Variant type: single nucleotide variant.
Coding change: c.5237C>A on transcript NM_001004334.4 (MANE Select); coding-DNA position 5237, C replaced by A.
Protein change: p.Thr1746Asn; replaces threonine 1746 with asparagine.
Molecular consequence: missense variant.
Genome position (GRCh38, 1-based): chr17:38,328,332, G>T on the plus strand (C>A on the coding strand, the complement: GPR179 is on the minus strand). VCF-style: chr17-38328332-G-T. GRCh37 (hg19) VCF-style: chr17-36484215-G-T.
Other names: short protein forms T1746N.
Identifiers: ClinVar variation 1993682 (VCV001993682.4), dbSNP rs2512157794, ClinGen allele CA398872838.

ClinVar aggregate classification (germline): Uncertain significance (1 of 4 stars; one submission).

Submission:

Labcorp Genetics (formerly Invitae), Labcorp
Classification: Uncertain significance. Last evaluated: 2022-05-12. Review status: criteria provided, single submitter. Criteria: Invitae Variant Classification Sherloc (09022015). Collection method: clinical testing. Allele origin: germline.
Comment: This sequence change replaces threonine, which is neutral and polar, with asparagine, which is neutral and polar, at codon 1746 of the GPR179 protein (p.Thr1746Asn). Algorithms developed to predict the effect of missense changes on protein structure and function (SIFT, PolyPhen-2, Align-GVGD) all suggest that this variant is likely to be tolerated. In summary, the available evidence is currently insufficient to determine the role of this variant in disease. Therefore, it has been classified as a Variant of Uncertain Significance. This variant has not been reported in the literature in individuals affected with GPR179-related conditions. This variant is not present in population databases (gnomAD no frequency).